The following is an entry in ClinVar:

ClinVar aggregate classification (germline): Uncertain significance. Review status: criteria provided, single submitter (1 of 4 stars). 2 submissions from 2 submitters: Uncertain significance (1). 1 of the submissions does not count toward it. Last evaluated 2023-09-08.

Conditions:
MDN1-related disorder. Also called: MDN1-related condition.

Allele frequency attached by ClinVar (database versions not stated): TOPMed 0.00005; gnomAD 0.00025; gnomAD exomes 0.00056; 1000 Genomes Project 30x 0.00094; 1000 Genomes Project 0.00100; ExAC 0.00112.
gnomAD v4.1: 881 of 1,614,164 alleles (0.055%); highest among the groups gnomAD compares: South Asian, 0.9%; 8 homozygotes.

Submissions (2):

Ambry Genetics
Classification: Uncertain significance. Last evaluated: 2023-09-08. Review status: criteria provided, single submitter. Criteria: Ambry Variant Classification Scheme 2023. Collection method: clinical testing. Allele origin: germline.

PreventionGenetics, part of Exact Sciences
Classification: Benign for MDN1-related condition. Last evaluated: 2019-06-06. Review status: no assertion criteria provided. Collection method: clinical testing. Allele origin: germline. Not counted in ClinVar's aggregate classification.
Comment: This variant is classified as benign based on ACMG/AMP sequence variant interpretation guidelines (Richards et al. 2015 PMID: 25741868, with internal and published modifications).

NM_014611.3(MDN1):c.991A>G (p.Ile331Val)

Gene: MDN1 (midasin AAA ATPase 1; minus strand). Cytogenetic location: 6q15.
Variant type: single nucleotide variant.
Coding change: c.991A>G on transcript NM_014611.3 (MANE Select); coding-DNA position 991, A replaced by G.
Protein change: p.Ile331Val; replaces isoleucine 331 with valine.
Molecular consequence: missense variant.
Genome position (GRCh38, 1-based): chr6:89,790,266, T>C on the plus strand (A>G on the coding strand, the complement: MDN1 is on the minus strand). VCF-style: chr6-89790266-T-C. GRCh37 (hg19) VCF-style: chr6-90499985-T-C.
Other names: c.991A>G (NM_014611.2); short protein forms I331V.
Identifiers: ClinVar variation 2589823 (VCV002589823.4), dbSNP rs201615854, ClinGen allele CA3926160.